The following is an entry in ClinVar:

ClinVar aggregate classification (germline): Likely benign (1 of 4 stars; one submission).

Allele frequency attached by ClinVar (database versions not stated): gnomAD exomes below 0.00001.
gnomAD v4.1: 1 of 1,612,382 alleles (0.000062%); highest among the groups gnomAD compares: Non-Finnish European, 0.000085%; no homozygotes.

Submission:

CeGaT Center for Human Genetics Tuebingen
Classification: Likely benign. Last evaluated: 2023-01-01. Review status: criteria provided, single submitter. Criteria: CeGaT Center For Human Genetics Tuebingen Variant Classification Criteria Version 2. Collection method: clinical testing. Allele origin: germline. Affected: yes. Observed: 1 variant allele.
Comment: EXOC8: PM2:Supporting, BP4, BP7

NM_175876.5(EXOC8):c.141C>T (p.Arg47=)

Gene: EXOC8 (exocyst complex component 8; minus strand). Cytogenetic location: 1q42.2.
Variant type: single nucleotide variant.
Coding change: c.141C>T on transcript NM_175876.5 (MANE Select); coding-DNA position 141, C replaced by T.
Protein change: p.Arg47=; no amino-acid change (arginine 47 retained).
Molecular consequence: synonymous variant.
Genome position (GRCh38, 1-based): chr1:231,337,605, G>A on the plus strand (C>T on the coding strand, the complement: EXOC8 is on the minus strand). VCF-style: chr1-231337605-G-A. GRCh37 (hg19) VCF-style: chr1-231473351-G-A.
Identifiers: ClinVar variation 2640080 (VCV002640080.24), dbSNP rs557913289, ClinGen allele CA38987714.